The following is an entry in ClinVar:

NM_001134363.3(RBM20):c.1217C>T (p.Ala406Val)

Gene: RBM20 (RNA binding motif protein 20; plus strand). Cytogenetic location: 10q25.2.
Variant type: single nucleotide variant.
Coding change: c.1217C>T on transcript NM_001134363.3 (MANE Select); coding-DNA position 1217, C replaced by T.
Protein change: p.Ala406Val; replaces alanine 406 with valine.
Molecular consequence: missense variant.
Genome position (GRCh38, 1-based): chr10:110,781,826, C>T. VCF-style: chr10-110781826-C-T. GRCh37 (hg19) VCF-style: chr10-112541584-C-T.
Other names: short protein forms A406V.
Identifiers: ClinVar variation 2705113 (VCV002705113.3), dbSNP rs2493414139, ClinGen allele CA378386015.

ClinVar aggregate classification (germline): Uncertain significance (1 of 4 stars; one submission).

Conditions:
Dilated cardiomyopathy 1DD (CMD1DD). Identifiers: Orphanet 154, MedGen C2750995, MONDO:0013168, OMIM 613172.

Allele frequency attached by ClinVar (database versions not stated): gnomAD exomes below 0.00001.
gnomAD v4.1: 1 of 1,551,728 alleles (0.000064%); highest among the groups gnomAD compares: Non-Finnish European, 0.000087%; no homozygotes.

Submission:

Labcorp Genetics (formerly Invitae), Labcorp
Classification: Uncertain significance for Dilated cardiomyopathy 1DD. Last evaluated: 2023-05-24. Review status: criteria provided, single submitter. Criteria: Invitae Variant Classification Sherloc (09022015). Collection method: clinical testing. Allele origin: germline.
Comment: This sequence change replaces alanine, which is neutral and non-polar, with valine, which is neutral and non-polar, at codon 406 of the RBM20 protein (p.Ala406Val). This variant is not present in population databases (gnomAD no frequency). This variant has not been reported in the literature in individuals affected with RBM20-related conditions. Advanced modeling of protein sequence and biophysical properties (such as structural, functional, and spatial information, amino acid conservation, physicochemical variation, residue mobility, and thermodynamic stability) performed at Invitae indicates that this missense variant is not expected to disrupt RBM20 protein function. In summary, the available evidence is currently insufficient to determine the role of this variant in disease. Therefore, it has been classified as a Variant of Uncertain Significance.